The following is an entry in ClinVar:

NM_170784.3(MKKS):c.721G>T (p.Val241Leu)

Gene: MKKS (MKKS centrosomal shuttling protein; minus strand). Cytogenetic location: 20p12.2.
Variant type: single nucleotide variant.
Coding change: c.721G>T on transcript NM_170784.3 (MANE Select); coding-DNA position 721, G replaced by T.
Protein change: p.Val241Leu; replaces valine 241 with leucine.
Molecular consequence: missense variant.
Genome position (GRCh38, 1-based): chr20:10,412,794, C>A on the plus strand (G>T on the coding strand, the complement: MKKS is on the minus strand). VCF-style: chr20-10412794-C-A. GRCh37 (hg19) VCF-style: chr20-10393442-C-A.
Other names: c.721G>T, p.Val241Leu (NM_018848.3); short protein forms V241L.
Identifiers: ClinVar variation 3587042 (VCV003587042.2).

ClinVar aggregate classification (germline): Uncertain significance. Review status: criteria provided, multiple submitters, no conflicts (2 of 4 stars). 2 submissions from 2 submitters: Uncertain significance (2). Last evaluated 2025-09-18.

Conditions:
McKusick-Kaufman syndrome (MKKS). Also called: HYDROMETROCOLPOS SYNDROME; HYDROMETROCOLPOS, POSTAXIAL POLYDACTYLY, AND CONGENITAL HEART MALFORMATION. Identifiers: Orphanet 2473, MedGen C0948368, MONDO:0009367, OMIM 236700.
Bardet-Biedl syndrome 6 (BBS6). Identifiers: Orphanet 110, MedGen C1858054, MONDO:0011523, OMIM 605231.
MKKS-related disorder. Also called: MKKS-related condition; MKKS-related disorders.

Submissions (2):

PreventionGenetics, part of Exact Sciences
Classification: Uncertain significance for MKKS-related condition. Last evaluated: 2025-09-18. Review status: criteria provided, single submitter. Criteria: ACMG Guidelines, 2015. Collection method: clinical testing. Allele origin: germline.
Comment: The MKKS c.721G>T variant is predicted to result in the amino acid substitution p.Val241Leu. To our knowledge, this variant has not been reported in the literature. This variant is reported in 0.0026% of alleles in individuals of European (Non-Finnish) descent in gnomAD. At this time, the clinical significance of this variant is uncertain due to the absence of conclusive functional and genetic evidence.

Fulgent Genetics
Classification: Uncertain significance for McKusick-Kaufman syndrome; Bardet-Biedl syndrome 6. Last evaluated: 2024-03-14. Review status: criteria provided, single submitter. Criteria: ACMG Guidelines, 2015. Collection method: clinical testing. Allele origin: germline.